The following is an entry in ClinVar:

ClinVar aggregate classification (germline): Pathogenic (1 of 4 stars; one submission).

Conditions:
Usher syndrome. Also called: Usher's syndrome; Usher Syndromes. Identifiers: Orphanet 886, MedGen CN469326, MeSH D052245, MONDO:0019501. Disease mechanism: loss of function.

Submission:

Women's Health and Genetics/Laboratory Corporation of America, LabCorp
Classification: Pathogenic for Retinitis pigmentosa-deafness syndrome. Last evaluated: 2022-02-17. Review status: criteria provided, single submitter. Criteria: LabCorp Variant Classification Summary - May 2015. Collection method: clinical testing. Allele origin: germline.
Comment: Variant summary: The variant identified by MLPA or other technology involves the deletion of exon 10 in the USH2A gene. A presumed nomenclature of c.(1644+1_1645-1)_(1840+1_1841-1)del has been designated for the purposes of this classification. Although exact breakpoints of this deletion are not known, it is expected to result in a frameshift deletion change in the USH2A gene, a known mechanism of disease. The variant was absent in 21694 control chromosomes (gnomAD, Structural Variants dataset). Deletion of exon 10 has been reported in the literature in individuals affected with Usher Syndrome and inherited retinal degeneration (e.g. Austin-Tse_2018, Zampaglione_2020). No clinical diagnostic laboratories have submitted clinical-significance assessments for this variant to ClinVar after 2014. Based on the evidence outlined above, the variant was classified as pathogenic.

Literature cited by the submitters: PubMed 32037395; PubMed 29655801.

NC_000001.10:g.(216462753_216465516)_(216465713_216495224)del

Gene: USH2A (usherin; minus strand). Cytogenetic location: 1q41.
Variant type: Deletion.
Identifiers: ClinVar variation 1343766 (VCV001343766.1).